The following is an entry in ClinVar:

ClinVar aggregate classification (germline): Likely benign (1 of 4 stars; one submission).

gnomAD v4.1: 30 of 1,613,756 alleles (0.0019%); highest among the groups gnomAD compares: Admixed American, 0.0067%; no homozygotes.

Submission:

CeGaT Center for Human Genetics Tuebingen
Classification: Likely benign. Last evaluated: 2026-08-01. Review status: criteria provided, single submitter. Criteria: CeGaT Center For Human Genetics Tuebingen Variant Classification Criteria Version 2. Collection method: clinical testing. Allele origin: germline. Affected: yes. Observed: 1 variant allele.
Comment: SPEN: BS2

NM_015001.3(SPEN):c.9578G>A (p.Arg3193Gln)

Gene: SPEN (spen family transcriptional repressor; plus strand). Cytogenetic location: 1p36.13.
Variant type: single nucleotide variant.
Coding change: c.9578G>A on transcript NM_015001.3 (MANE Select); coding-DNA position 9578, G replaced by A.
Protein change: p.Arg3193Gln; replaces arginine 3193 with glutamine.
Molecular consequence: missense variant.
Genome position (GRCh38, 1-based): chr1:15,935,818, G>A. VCF-style: chr1-15935818-G-A. GRCh37 (hg19) VCF-style: chr1-16262313-G-A.
Other names: short protein forms R3193Q.
Identifiers: ClinVar variation 5041888 (VCV005041888.1).